The following is an entry in ClinVar:

NM_001035.3(RYR2):c.13783G>A (p.Val4595Ile)

Gene: RYR2 (ryanodine receptor 2; plus strand). Cytogenetic location: 1q43.
Variant type: single nucleotide variant.
Coding change: c.13783G>A on transcript NM_001035.3 (MANE Select); coding-DNA position 13783, G replaced by A.
Protein change: p.Val4595Ile; replaces valine 4595 with isoleucine.
Molecular consequence: missense variant.
Genome position (GRCh38, 1-based): chr1:237,793,867, G>A. VCF-style: chr1-237793867-G-A. GRCh37 (hg19) VCF-style: chr1-237957167-G-A.
Other names: short protein forms V4595I.
Identifiers: ClinVar variation 1393242 (VCV001393242.7), dbSNP rs1430303714, ClinGen allele CA345417980.

ClinVar aggregate classification (germline): Uncertain significance (1 of 4 stars; one submission).

Conditions:
Catecholaminergic polymorphic ventricular tachycardia 1. Also called: VENTRICULAR TACHYCARDIA, CATECHOLAMINERGIC POLYMORPHIC, 1, WITH OR WITHOUT ATRIAL DYSFUNCTION AND/OR DILATED CARDIOMYOPATHY; VENTRICULAR TACHYCARDIA, STRESS-INDUCED POLYMORPHIC 1; RYR2-Related Catecholaminergic Polymorphic Ventricular Tachycardia. Identifiers: Orphanet 3286, MedGen C1631597, MONDO:0011484, OMIM 604772.

Submission:

Labcorp Genetics (formerly Invitae), Labcorp
Classification: Uncertain significance for Catecholaminergic polymorphic ventricular tachycardia 1. Last evaluated: 2025-01-06. Review status: criteria provided, single submitter. Criteria: Invitae Variant Classification Sherloc (09022015). Collection method: clinical testing. Allele origin: germline.
Comment: This sequence change replaces valine, which is neutral and non-polar, with isoleucine, which is neutral and non-polar, at codon 4595 of the RYR2 protein (p.Val4595Ile). This variant is not present in population databases (gnomAD no frequency). This variant has not been reported in the literature in individuals affected with RYR2-related conditions. ClinVar contains an entry for this variant (Variation ID: 1393242). An algorithm developed to predict the effect of missense changes on protein structure and function (PolyPhen-2) suggests that this variant is likely to be disruptive. In summary, the available evidence is currently insufficient to determine the role of this variant in disease. Therefore, it has been classified as a Variant of Uncertain Significance.